The following is an entry in ClinVar:

ClinVar aggregate classification (germline): Uncertain significance (1 of 4 stars; one submission).

Allele frequency attached by ClinVar (database versions not stated): gnomAD exomes below 0.00001.
gnomAD v4.1: 3 of 1,614,120 alleles (0.00019%); highest among the groups gnomAD compares: Non-Finnish European, 0.00017%; no homozygotes.

Submission:

Labcorp Genetics (formerly Invitae), Labcorp
Classification: Uncertain significance. Last evaluated: 2020-02-01. Review status: criteria provided, single submitter. Criteria: Invitae Variant Classification Sherloc (09022015). Collection method: clinical testing. Allele origin: germline.
Comment: In summary, the available evidence is currently insufficient to determine the role of this variant in disease. Therefore, it has been classified as a Variant of Uncertain Significance. Algorithms developed to predict the effect of missense changes on protein structure and function (SIFT, PolyPhen-2, Align-GVGD) all suggest that this variant is likely to be disruptive, but these predictions have not been confirmed by published functional studies and their clinical significance is uncertain. This variant has not been reported in the literature in individuals with MTOR-related conditions. This variant is not present in population databases (ExAC no frequency). This sequence change replaces arginine with cysteine at codon 398 of the MTOR protein (p.Arg398Cys). The arginine residue is highly conserved and there is a large physicochemical difference between arginine and cysteine.

NM_004958.4(MTOR):c.1192C>T (p.Arg398Cys)

Gene: MTOR (mechanistic target of rapamycin kinase; minus strand). Cytogenetic location: 1p36.22.
Variant type: single nucleotide variant.
Coding change: c.1192C>T on transcript NM_004958.4 (MANE Select); coding-DNA position 1192, C replaced by T.
Protein change: p.Arg398Cys; replaces arginine 398 with cysteine.
Molecular consequence: missense variant.
Genome position (GRCh38, 1-based): chr1:11,247,658, G>A on the plus strand (C>T on the coding strand, the complement: MTOR is on the minus strand). VCF-style: chr1-11247658-G-A. GRCh37 (hg19) VCF-style: chr1-11307715-G-A.
Other names: short protein forms R398C.
Identifiers: ClinVar variation 948550 (VCV000948550.9), dbSNP rs1649030039, ClinGen allele CA338399068.